The following is an entry in ClinVar:

ClinVar aggregate classification (germline): Likely benign (1 of 4 stars; one submission).

Allele frequency attached by ClinVar (database versions not stated): 1000 Genomes Project 0.00040; 1000 Genomes Project 30x 0.00047; TOPMed 0.00130; gnomAD 0.00133; ESP Exome Variant Server 0.00162; gnomAD exomes 0.00207.
gnomAD v4.1: 3,162 of 1,594,048 alleles (0.2%); highest among the groups gnomAD compares: Non-Finnish European, 0.25%; 5 homozygotes.

Submission:

CeGaT Center for Human Genetics Tuebingen
Classification: Likely benign. Last evaluated: 2024-01-01. Review status: criteria provided, single submitter. Criteria: CeGaT Center For Human Genetics Tuebingen Variant Classification Criteria Version 2. Collection method: clinical testing. Allele origin: germline. Affected: yes. Observed: 1 variant allele.
Comment: TMEM87B: BP4, BP7

NM_032824.3(TMEM87B):c.531G>A (p.Gly177=)

Gene: TMEM87B (transmembrane protein 87B; plus strand). Cytogenetic location: 2q13.
Variant type: single nucleotide variant.
Coding change: c.531G>A on transcript NM_032824.3 (MANE Select); coding-DNA position 531, G replaced by A.
Protein change: p.Gly177=; no amino-acid change (glycine 177 retained).
Molecular consequence: synonymous variant.
Genome position (GRCh38, 1-based): chr2:112,077,221, G>A. VCF-style: chr2-112077221-G-A. GRCh37 (hg19) VCF-style: chr2-112834798-G-A.
Other names: c.531G>A, p.Gly177= (NM_001329914.2).
Identifiers: ClinVar variation 3025309 (VCV003025309.22), dbSNP rs147529569, ClinGen allele CA1832197.
Genomic context (GRCh38, chr2:112,077,221, plus strand): 5'-TAATGAAGAATTTTTTTCACCTCTATTTCAGGATGTTGTAGCCAGAACACAAAAAGATGG[G>A]TTTCATATCTTTATTGTTTCTATTAAAACGGAGAATACAGATGCAAGCTGGAATTTGAAT-3'
Protein context (NP_116213.1, residues 167-187): MDVVARTQKD[Gly177=]FHIFIVSIKT